The following is an entry in ClinVar:

ClinVar aggregate classification (germline): Conflicting classifications of pathogenicity. Review status: criteria provided, conflicting classifications (1 of 4 stars). 2 submissions from 2 submitters: Uncertain significance (1); Likely benign (1). Last evaluated 2024-10-07.

Conditions:
Autoimmune interstitial lung disease-arthritis syndrome. Also called: Autoinflammation and autoimmunity, systemic, with immune dysregulation. Identifiers: Orphanet 444092, MedGen C5975714, MONDO:0014629.

Allele frequency attached by ClinVar (database versions not stated): gnomAD 0.00001; gnomAD exomes 0.00001; TOPMed 0.00001; ExAC 0.00002; ESP Exome Variant Server 0.00015.
gnomAD v4.1: 9 of 1,613,316 alleles (0.00056%); highest among the groups gnomAD compares: Non-Finnish European, 0.00076%; no homozygotes.

Submissions (2):

Labcorp Genetics (formerly Invitae), Labcorp
Classification: Likely benign for Autoimmune interstitial lung disease-arthritis syndrome. Last evaluated: 2024-10-07. Review status: criteria provided, single submitter. Criteria: Invitae Variant Classification Sherloc (09022015). Collection method: clinical testing. Allele origin: germline.

CeGaT Center for Human Genetics Tuebingen
Classification: Uncertain significance. Last evaluated: 2022-09-01. Review status: criteria provided, single submitter. Criteria: CeGaT Center For Human Genetics Tuebingen Variant Classification Criteria Version 2. Collection method: clinical testing. Allele origin: germline. Affected: yes. Observed: 1 variant allele.
Comment: COPA: PP2

NM_004371.4(COPA):c.3413C>T (p.Ala1138Val)

Gene: COPA (coat protein complex I subunit alpha; minus strand). Cytogenetic location: 1q23.2.
Variant type: single nucleotide variant.
Coding change: c.3413C>T on transcript NM_004371.4 (MANE Select); coding-DNA position 3413, C replaced by T.
Protein change: p.Ala1138Val; replaces alanine 1138 with valine.
Molecular consequence: missense variant.
Genome position (GRCh38, 1-based): chr1:160,291,342, G>A on the plus strand (C>T on the coding strand, the complement: COPA is on the minus strand). VCF-style: chr1-160291342-G-A. GRCh37 (hg19) VCF-style: chr1-160261132-G-A.
Other names: c.3440C>T, p.Ala1147Val (NM_001098398.2); short protein forms A1138V, A1147V.
Identifiers: ClinVar variation 1922165 (VCV001922165.29), dbSNP rs368351562, ClinGen allele CA1197636.